The following is an entry in ClinVar:

ClinVar aggregate classification (germline): Uncertain significance. Review status: criteria provided, multiple submitters, no conflicts (2 of 4 stars). 3 submissions from 3 submitters: Uncertain significance (2). 1 of the submissions does not count toward it. Last evaluated 2025-04-16.

Conditions:
SRCAP-related disorder. Also called: SRCAP-related condition.
Developmental delay, hypotonia, musculoskeletal defects, and behavioral abnormalities. Identifiers: MedGen C5562012, MONDO:0859202, OMIM 619595.
Floating-Harbor syndrome (FLHS). Also called: Short stature with delayed bone age, expressive language delay, a triangular face with a prominent nose and deep-set eyes; Pelletier-Leisti syndrome; SRCAP-Related Floating-Harbor Syndrome. Identifiers: Orphanet 2044, MedGen C0729582, MONDO:0007621, OMIM 136140.

Allele frequency attached by ClinVar (database versions not stated): gnomAD 0.00001; TOPMed 0.00001; ExAC 0.00003; ESP Exome Variant Server 0.00008.
gnomAD v4.1: 26 of 1,613,946 alleles (0.0016%); highest among the groups gnomAD compares: African/African-American, 0.004%; no homozygotes.

Submissions (3):

Labcorp Genetics (formerly Invitae), Labcorp
Classification: Uncertain significance. Last evaluated: 2025-04-16. Review status: criteria provided, single submitter. Criteria: Invitae Variant Classification Sherloc (09022015). Collection method: clinical testing. Allele origin: germline.
Comment: This sequence change replaces arginine, which is basic and polar, with tryptophan, which is neutral and slightly polar, at codon 2053 of the SRCAP protein (p.Arg2053Trp). This variant is present in population databases (rs371915992, gnomAD 0.003%). This variant has not been reported in the literature in individuals affected with SRCAP-related conditions. ClinVar contains an entry for this variant (Variation ID: 1352247). Invitae Evidence Modeling of protein sequence and biophysical properties (such as structural, functional, and spatial information, amino acid conservation, physicochemical variation, residue mobility, and thermodynamic stability) indicates that this missense variant is not expected to disrupt SRCAP protein function with a negative predictive value of 80%. In summary, the available evidence is currently insufficient to determine the role of this variant in disease. Therefore, it has been classified as a Variant of Uncertain Significance.

Fulgent Genetics
Classification: Uncertain significance for Floating-Harbor syndrome; Developmental delay, hypotonia, musculoskeletal defects, and behavioral abnormalities. Last evaluated: 2022-04-13. Review status: criteria provided, single submitter. Criteria: ACMG Guidelines, 2015. Collection method: clinical testing. Allele origin: unknown.

PreventionGenetics, part of Exact Sciences
Classification: Uncertain significance for SRCAP-related condition. Last evaluated: 2023-11-27. Review status: no assertion criteria provided. Collection method: clinical testing. Allele origin: germline. Not counted in ClinVar's aggregate classification.
Comment: The SRCAP c.6157C>T variant is predicted to result in the amino acid substitution p.Arg2053Trp. To our knowledge, this variant has not been reported in the literature. This variant is reported in 0.0033% of alleles in individuals of South Asian descent in gnomAD. At this time, the clinical significance of this variant is uncertain due to the absence of conclusive functional and genetic evidence.

NM_006662.3(SRCAP):c.6157C>T (p.Arg2053Trp)

Gene: SRCAP (Snf2 related CREBBP activator protein; plus strand). Cytogenetic location: 16p11.2.
Variant type: single nucleotide variant.
Coding change: c.6157C>T on transcript NM_006662.3 (MANE Select); coding-DNA position 6157, C replaced by T.
Protein change: p.Arg2053Trp; replaces arginine 2053 with tryptophan.
Molecular consequence: missense variant.
Genome position (GRCh38, 1-based): chr16:30,733,309, C>T. VCF-style: chr16-30733309-C-T. GRCh37 (hg19) VCF-style: chr16-30744630-C-T.
Other names: c.6157C>T (NM_006662.2); short protein forms R2053W.
Identifiers: ClinVar variation 1352247 (VCV001352247.11), dbSNP rs371915992, ClinGen allele CA8012177.